The following is an entry in ClinVar:

ClinVar aggregate classification (germline): Pathogenic. Review status: reviewed by expert panel (3 of 4 stars). 8 submissions from 8 submitters: Pathogenic (1). 7 of the submissions do not count toward it. Last evaluated 2025-04-03.

Conditions:
Autosomal recessive limb-girdle muscular dystrophy. Identifiers: Orphanet 102015, MedGen C2931907, MONDO:0015152.
Neuromuscular disease caused by qualitative or quantitative defects of dysferlin. Also called: Dysferlinopathy; Qualitative or quantitative defects of dysferlin. Identifiers: Orphanet 207073, MedGen C2931687, MONDO:0016145.
Autosomal recessive limb-girdle muscular dystrophy type 2B (LGMDR2). Also called: MUSCULAR DYSTROPHY, LIMB-GIRDLE, TYPE 3; Limb-Girdle Muscular Dystrophy Type 2B (LGMD2B); Limb-girdle muscular dystrophy, type 2B; MUSCULAR DYSTROPHY, LIMB-GIRDLE, AUTOSOMAL RECESSIVE 2. Identifiers: Orphanet 268, MedGen C1850889, MONDO:0009676, OMIM 253601.
Miyoshi muscular dystrophy 1 (MMD1). Identifiers: Orphanet 45448, MedGen C4551973, MONDO:0024545, OMIM 254130.

Allele frequency attached by ClinVar (database versions not stated): gnomAD exomes below 0.00001.
gnomAD v4.1: 7 of 1,614,140 alleles (0.00043%); highest among the groups gnomAD compares: Admixed American, 0.0017%; no homozygotes.

Submissions (8):

ClinGen Limb Girdle Muscular Dystrophy Variant Curation Expert Panel, ClinGen
Classification: Pathogenic for Autosomal recessive limb-girdle muscular dystrophy. Last evaluated: 2025-04-03. Review status: reviewed by expert panel. Criteria: ClinGen LGMD VCEP ACMG Specifications DYSF V1.0.0. Collection method: curation. Allele origin: germline. Inheritance: Autosomal recessive inheritance.
Comment: The NM_003494.4: c.1861G>A variant in DYSF, which is also known as NM_001130987.2: c.1915G>A (p.Gly639Arg), is a missense variant predicted to cause substitution of glycine by arginine at amino acid 621, p.(Gly621Arg). This variant has been reported in at least four patients with dysferlinopathy (PMID: 16100712, 19528035, 21522182, 36983702), including in trans with a pathogenic variant in at least two individuals (NM_003494.4: c.5509G>A p.(Asp1837Asn), 1.0 pt, PMID: 21522182; NM_003494.4: c.5668-7G>A p.(Lys1889insTrpfsTer56, 1.0 pt, PMID: 16100712) (PM3_Strong). At least one of these patients displayed progressive muscle weakness and absent dysferlin expression in muscle biopsy or monocytes, which is highly specific for DYSF-related LGMD (PMID: 16100712, 21522182, 36983702) (PP4_Strong). This variant was also shown to co-segregate with the LGMD phenotype in one affected family member (PMID: 36983702; PP1). The highest population alternate allele frequency of this variant is 0.00002236 (1/44722 Admixed American exome chromosomes) in gnomAD v4.1.0, which is less than the ClinGen LGMD VCEP threshold (≤0.0001) (PM2_Supporting). Immunofluorescence and 2-A assays of dysferlin membrane localization in HEK293T cells showed the Gly621Arg protein did not reach the cell membrane, indicating an impact on protein function (PMID: 35028538) (PS3_Moderate). In addition, the computational predictor REVEL gives a score of 0.88, which is above the LGMD VCEP threshold of ≥0.70, evidence that correlates with impact to DYSF function (PP3). In summary, this variant meets the criteria to be classified as Pathogenic for autosomal recessive limb girdle muscular dystrophy based on the ACMG/AMP criteria applied, as specified by the ClinGen LGMD VCEP (LGMD VCEP specifications version 1.0.0; 04/03/2025): PM3_Strong, PP4_Strong, PP1, PS3_Moderate, PM2_Supporting, PP3.

Labcorp Genetics (formerly Invitae), Labcorp
Classification: Pathogenic for Neuromuscular disease caused by qualitative or quantitative defects of dysferlin. Last evaluated: 2025-11-15. Review status: criteria provided, single submitter. Criteria: Invitae Variant Classification Sherloc (09022015). Collection method: clinical testing. Allele origin: germline. Not counted in ClinVar's aggregate classification.
Comment: This sequence change replaces glycine, which is neutral and non-polar, with arginine, which is basic and polar, at codon 621 of the DYSF protein (p.Gly621Arg). This variant is present in population databases (no rsID available, gnomAD 0.003%). This missense change has been observed in individual(s) with dysferlinopathy (PMID: 16100712, 19528035, 21522182, 27602406). In at least one individual the data is consistent with being in trans (on the opposite chromosome) from a pathogenic variant. ClinVar contains an entry for this variant (Variation ID: 288438). Invitae Evidence Modeling of protein sequence and biophysical properties (such as structural, functional, and spatial information, amino acid conservation, physicochemical variation, residue mobility, and thermodynamic stability) indicates that this missense variant is expected to disrupt DYSF protein function with a positive predictive value of 95%. For these reasons, this variant has been classified as Pathogenic.

Natera, Inc.
Classification: Pathogenic for Limb-girdle muscular dystrophy type 2B. Last evaluated: 2025-08-25. Review status: criteria provided, single submitter. Criteria: Natera Variant Classification Schema (03/2026). Collection method: clinical testing. Allele origin: germline. Not counted in ClinVar's aggregate classification.
Comment: The c.1861G>A variant in DYSF is a missense variant predicted to cause substitution of glycine to arginine at amino acid 621. This variant is rare in the general population with a frequency below the threshold expected for the associated phenotype(s). This variant has been observed in one or more individuals affected with the associated recessive disease, as either homozygous or compound heterozygous with a second variant (PMID: 19528035, 16100712, 17994539, 21522182, 33927379). Computational prediction algorithms indicate this variant is likely to affect gene or protein function. Given the available evidence, this variant is classified as Pathogenic.

Women's Health and Genetics/Laboratory Corporation of America, LabCorp
Classification: Pathogenic for Autosomal recessive limb-girdle muscular dystrophy type 2B. Last evaluated: 2025-02-07. Review status: criteria provided, single submitter. Criteria: LabCorp Variant Classification Summary - May 2015. Collection method: clinical testing. Allele origin: germline. Not counted in ClinVar's aggregate classification.
Comment: Variant summary: DYSF c.1861G>A (p.Gly621Arg) results in a non-conservative amino acid change in the encoded protein sequence. Four of five in-silico tools predict a damaging effect of the variant on protein function. The variant allele was found at a frequency of 4e-06 in 251438 control chromosomes. c.1861G>A has been reported in the literature in multiple individuals affected with Autosomal recessive limb-girdle muscular dystrophy type 2B and related conditions (e.g. Cacciottolo_2011, Cagliani_2005, Charnay_2021, Harris_2016, Klinge_2010, Rufibach_2023). These data indicate that the variant is very likely to be associated with disease. To our knowledge, no experimental evidence demonstrating an impact on protein function has been reported. The following publications have been ascertained in the context of this evaluation (PMID: 21522182, 16100712, 33927379, 27602406, 19528035, 36983702). ClinVar contains an entry for this variant (Variation ID: 288438). Based on the evidence outlined above, the variant was classified as pathogenic.

Baylor Genetics
Classification: Pathogenic for Miyoshi muscular dystrophy 1. Last evaluated: 2023-10-11. Review status: criteria provided, single submitter. Criteria: ACMG Guidelines, 2015. Collection method: clinical testing. Allele origin: unknown. Not counted in ClinVar's aggregate classification.

Revvity Omics, Revvity
Classification: Likely pathogenic. Last evaluated: 2022-04-02. Review status: criteria provided, single submitter. Criteria: ACMG Guidelines, 2015. Collection method: clinical testing. Allele origin: germline. Not counted in ClinVar's aggregate classification.

Eurofins Ntd Llc (ga)
Classification: Likely pathogenic. Last evaluated: 2016-06-03. Review status: criteria provided, single submitter. Criteria: EGL Classification Definitions 2015. Collection method: clinical testing. Allele origin: germline. Observed: 1 variant allele, 1 heterozygote. Not counted in ClinVar's aggregate classification.

Counsyl
Classification: Likely pathogenic for Autosomal recessive limb-girdle muscular dystrophy type 2B. Last evaluated: 2017-12-04. Review status: no assertion criteria provided. Collection method: clinical testing. Allele origin: unknown. Not counted in ClinVar's aggregate classification.

Literature cited by the submitters: PubMed 16100712 (cited by 4 submitters); PubMed 19528035 (cited by 3 submitters); PubMed 21522182 (cited by 4 submitters); PubMed 27602406 (cited by 3 submitters); PubMed 17994539 (cited by Natera, Inc. and Counsyl); PubMed 33927379 (cited by Natera, Inc. and Women's Health and Genetics/Laboratory Corporation of America, LabCorp); PubMed 36983702 (cited by Women's Health and Genetics/Laboratory Corporation of America, LabCorp); PubMed 15469449 (cited by Counsyl).

NM_001130987.2(DYSF):c.1915G>A (p.Gly639Arg)

Gene: DYSF (dysferlin; plus strand). Cytogenetic location: 2p13.2.
Variant type: single nucleotide variant.
Coding change: c.1915G>A on transcript NM_001130987.2 (MANE Select); coding-DNA position 1915, G replaced by A.
Protein change: p.Gly639Arg; replaces glycine 639 with arginine.
Molecular consequence: missense variant.
Genome position (GRCh38, 1-based): chr2:71,553,119, G>A. VCF-style: chr2-71553119-G-A. GRCh37 (hg19) VCF-style: chr2-71780249-G-A.
Other names: NM_001130987.2(DYSF):c.1915G>A; p.Gly639Arg; c.1864G>A, p.Gly622Arg (NM_001130455.2, NM_001130983.2); c.1819G>A, p.Gly607Arg (NM_001130976.2, NM_001130977.2); c.1861G>A, p.Gly621Arg (NM_001130978.2, NM_003494.4); c.1954G>A, p.Gly652Arg (NM_001130979.2); c.1912G>A, p.Gly638Arg (NM_001130980.2, NM_001130981.2); c.1957G>A, p.Gly653Arg (NM_001130982.2); and 2 more; short protein forms G621R, G639R, G608R, G622R, G652R, G607R, G638R, G653R.
Identifiers: ClinVar variation 288438 (VCV000288438.25), dbSNP rs886043900, ClinGen allele CA10606091.
Genomic context (GRCh38, chr2:71,553,119, plus strand): 5'-GCCACCATGCTGCAGGATGTGGATGATGCCATCCAGTTTGAGGTCAGCATCGGGAACTAC[G>A]GGAACAAGTTCGACATGACCTGCCTGCCGCTGGCCTCCACCACTCAGTACAGCCGTGCAG-3'
Protein context (NP_001124459.1, residues 629-649): IQFEVSIGNY[Gly639Arg]NKFDMTCLPL